The following is an entry in ClinVar:

NM_000179.3(MSH6):c.3506C>G (p.Pro1169Arg)

Gene: MSH6 (mutS homolog 6; plus strand). Cytogenetic location: 2p16.3.
Variant type: single nucleotide variant.
Coding change: c.3506C>G on transcript NM_000179.3 (MANE Select); coding-DNA position 3506, C replaced by G.
Protein change: p.Pro1169Arg; replaces proline 1169 with arginine.
Molecular consequence: missense variant.
Genome position (GRCh38, 1-based): chr2:47,804,977, C>G. VCF-style: chr2-47804977-C-G. GRCh37 (hg19) VCF-style: chr2-48032116-C-G.
Other names: c.3209C>G, p.Pro1070Arg (NM_001406825.1, NM_001406827.1, NM_001406828.1 and 10 more transcripts); c.3338C>G, p.Pro1113Arg (NM_001406826.1); c.2600C>G, p.Pro867Arg (NM_001406829.1, NM_001281493.2, NM_001281494.2 and 6 more transcripts); c.287C>G, p.Pro96Arg (NM_001406831.1); c.353C>G, p.Pro118Arg (NM_001406832.1); c.1451C>G, p.Pro484Arg (NM_001407362.1); c.3116C>G, p.Pro1039Arg (NM_001281492.2); c.3602C>G, p.Pro1201Arg (NM_001406795.1, NM_001406802.1); and 7 more; short protein forms P1039R, P1070R, P1111R, P1113R, P1143R, P1169R, P1171R, P118R.
Identifiers: ClinVar variation 1720068 (VCV001720068.8), dbSNP rs2530802925, ClinGen allele CA346760181.

ClinVar aggregate classification (germline): Uncertain significance. Review status: criteria provided, multiple submitters, no conflicts (2 of 4 stars). 2 submissions from 2 submitters: Uncertain significance (2). Last evaluated 2024-04-04.

Conditions:
Hereditary nonpolyposis colorectal neoplasms. Identifiers: MedGen C0009405, MeSH D003123.
Hereditary cancer-predisposing syndrome. Also called: Hereditary neoplastic syndrome; Neoplastic Syndromes, Hereditary; Hereditary Cancer Syndrome; Tumor predisposition. Identifiers: Orphanet 140162, MedGen C0027672, MeSH D009386, MONDO:0015356.

Submissions (2):

Labcorp Genetics (formerly Invitae), Labcorp
Classification: Uncertain significance for Hereditary nonpolyposis colorectal neoplasms. Last evaluated: 2024-04-04. Review status: criteria provided, single submitter. Criteria: Invitae Variant Classification Sherloc (09022015). Collection method: clinical testing. Allele origin: germline.
Comment: This sequence change replaces proline, which is neutral and non-polar, with arginine, which is basic and polar, at codon 1169 of the MSH6 protein (p.Pro1169Arg). This variant is not present in population databases (gnomAD no frequency). This variant has not been reported in the literature in individuals affected with MSH6-related conditions. ClinVar contains an entry for this variant (Variation ID: 1720068). Advanced modeling of protein sequence and biophysical properties (such as structural, functional, and spatial information, amino acid conservation, physicochemical variation, residue mobility, and thermodynamic stability) has been performed at Invitae for this missense variant, however the output from this modeling did not meet the statistical confidence thresholds required to predict the impact of this variant on MSH6 protein function. In summary, the available evidence is currently insufficient to determine the role of this variant in disease. Therefore, it has been classified as a Variant of Uncertain Significance.

Ambry Genetics
Classification: Uncertain significance for Hereditary cancer-predisposing syndrome. Last evaluated: 2023-05-25. Review status: criteria provided, single submitter. Criteria: Ambry Variant Classification Scheme 2023. Collection method: clinical testing. Allele origin: germline.
Comment: The p.P1169R variant (also known as c.3506C>G), located in coding exon 6 of the MSH6 gene, results from a C to G substitution at nucleotide position 3506. The proline at codon 1169 is replaced by arginine, an amino acid with dissimilar properties. This amino acid position is conserved. In addition, this alteration is predicted to be deleterious by in silico analysis. Since supporting evidence is limited at this time, the clinical significance of this alteration remains unclear.